The following is an entry in ClinVar:

NM_014141.6(CNTNAP2):c.777A>G (p.Ile259Met)

Gene: CNTNAP2 (contactin associated protein 2; plus strand). Cytogenetic location: 7q35.
Variant type: single nucleotide variant.
Coding change: c.777A>G on transcript NM_014141.6 (MANE Select); coding-DNA position 777, A replaced by G.
Protein change: p.Ile259Met; replaces isoleucine 259 with methionine.
Molecular consequence: missense variant.
Genome position (GRCh38, 1-based): chr7:147,121,001, A>G. VCF-style: chr7-147121001-A-G. GRCh37 (hg19) VCF-style: chr7-146818093-A-G.
Other names: short protein forms I259M.
Identifiers: ClinVar variation 536329 (VCV000536329.7), dbSNP rs1554440667, ClinGen allele CA369923756.
Genomic context (GRCh38, chr7:147,121,001, plus strand): 5'-ATCATTGCATTGTTTCTTTTTCACTTCTGTGTACGCAGGAAGCAACCAGCTTGGCCCCAT[A>G]TATGGCCACACATCAGTGATGACAGGAAGTTTGCTGGATGACCACCACTGGCACTCTGTG-3'
Protein context (NP_054860.1, residues 249-269): LNLGSNQLGP[Ile259Met]YGHTSVMTGS

ClinVar aggregate classification (germline): Uncertain significance. Review status: criteria provided, multiple submitters, no conflicts (2 of 4 stars). 2 submissions from 2 submitters: Uncertain significance (2). Last evaluated 2025-12-22.

Conditions:
Inborn genetic diseases. Identifiers: MedGen C0950123, MeSH D030342.
Cortical dysplasia-focal epilepsy syndrome (PTHSL1). Also called: Pitt-Hopkins-like syndrome 1. Identifiers: Orphanet 163681, Orphanet 221150, MedGen C2750246, MONDO:0012400, OMIM 610042.

Allele frequency attached by ClinVar (database versions not stated): gnomAD exomes below 0.00001.
gnomAD v4.1: 1 of 1,613,768 alleles (0.000062%); highest among the groups gnomAD compares: Non-Finnish European, 0.000085%; no homozygotes.

Submissions (2):

Ambry Genetics
Classification: Uncertain significance for Inborn genetic diseases. Last evaluated: 2025-12-22. Review status: criteria provided, single submitter. Criteria: Ambry Variant Classification Scheme 2023. Collection method: clinical testing. Allele origin: germline.

Labcorp Genetics (formerly Invitae), Labcorp
Classification: Uncertain significance for Cortical dysplasia-focal epilepsy syndrome. Last evaluated: 2021-08-26. Review status: criteria provided, single submitter. Criteria: Invitae Variant Classification Sherloc (09022015). Collection method: clinical testing. Allele origin: germline.
Comment: This sequence change replaces isoleucine with methionine at codon 259 of the CNTNAP2 protein (p.Ile259Met). The isoleucine residue is moderately conserved and there is a small physicochemical difference between isoleucine and methionine. This variant is not present in population databases (ExAC no frequency). This variant has not been reported in the literature in individuals affected with CNTNAP2-related conditions. Algorithms developed to predict the effect of missense changes on protein structure and function are either unavailable or do not agree on the potential impact of this missense change (SIFT: "Deleterious"; PolyPhen-2: "Possibly Damaging"; Align-GVGD: "Class C0"). Algorithms developed to predict the effect of sequence changes on RNA splicing suggest that this variant may create or strengthen a splice site. In summary, the available evidence is currently insufficient to determine the role of this variant in disease. Therefore, it has been classified as a Variant of Uncertain Significance.